The following is an entry in ClinVar:

NM_005121.3(MED13):c.3968G>C (p.Gly1323Ala)

Gene: MED13 (mediator complex subunit 13; minus strand). Cytogenetic location: 17q23.2.
Variant type: single nucleotide variant.
Coding change: c.3968G>C on transcript NM_005121.3 (MANE Select); coding-DNA position 3968, G replaced by C.
Protein change: p.Gly1323Ala; replaces glycine 1323 with alanine.
Molecular consequence: missense variant.
Genome position (GRCh38, 1-based): chr17:61,968,258, C>G on the plus strand (G>C on the coding strand, the complement: MED13 is on the minus strand). VCF-style: chr17-61968258-C-G. GRCh37 (hg19) VCF-style: chr17-60045619-C-G.
Other names: short protein forms G1323A.
Identifiers: ClinVar variation 3731058 (VCV003731058.1).

ClinVar aggregate classification (germline): Uncertain significance (1 of 4 stars; one submission).

Submission:

GeneDx
Classification: Uncertain significance. Last evaluated: 2024-08-14. Review status: criteria provided, single submitter. Criteria: GeneDx Variant Classification Process June 2021. Collection method: clinical testing. Allele origin: germline. Affected: yes.
Comment: Not observed at significant frequency in large population cohorts (gnomAD); In silico analysis supports that this missense variant has a deleterious effect on protein structure/function; Has not been previously published as pathogenic or benign to our knowledge; In silico analysis is inconclusive as to whether the variant alters gene splicing. In the absence of RNA/functional studies, the actual effect of this sequence change is unknown.